The following is an entry in ClinVar:

NM_018124.4(RFWD3):c.76A>G (p.Met26Val)

Gene: RFWD3 (ring finger and WD repeat domain 3; minus strand). Cytogenetic location: 16q23.1.
Variant type: single nucleotide variant.
Coding change: c.76A>G on transcript NM_018124.4 (MANE Select); coding-DNA position 76, A replaced by G.
Protein change: p.Met26Val; replaces methionine 26 with valine.
Molecular consequence: missense variant. On other transcripts: 5 prime UTR variant (4), intron variant (1).
Genome position (GRCh38, 1-based): chr16:74,661,374, T>C on the plus strand (A>G on the coding strand, the complement: RFWD3 is on the minus strand). VCF-style: chr16-74661374-T-C. GRCh37 (hg19) VCF-style: chr16-74695272-T-C.
Other names: c.76A>G, p.Met26Val (NM_001370534.1, NM_001370535.1, NM_001370536.1); c.-933A>G (NM_001370537.1); c.-556A>G (NM_001370539.1); c.-810A>G (NM_001370542.1); c.-688A>G (NM_001370543.1); c.-317+3250A>G (NM_001370540.1); short protein forms M26V.
Identifiers: ClinVar variation 4577331 (VCV004577331.2).

ClinVar aggregate classification (germline): Conflicting classifications of pathogenicity. Review status: criteria provided, conflicting classifications (1 of 4 stars). 2 submissions from 2 submitters: Uncertain significance (1); Likely benign (1). Last evaluated 2025-12-06.

gnomAD v4.1: 1 of 1,613,550 alleles (0.000062%); highest among the groups gnomAD compares: Admixed American, 0.0017%; no homozygotes.

Submissions (2):

Labcorp Genetics (formerly Invitae), Labcorp
Classification: Uncertain significance. Last evaluated: 2025-12-06. Review status: criteria provided, single submitter. Criteria: Invitae Variant Classification Sherloc (09022015). Collection method: clinical testing. Allele origin: germline.
Comment: This sequence change replaces methionine, which is neutral and non-polar, with valine, which is neutral and non-polar, at codon 26 of the RFWD3 protein (p.Met26Val). This variant is not present in population databases (gnomAD no frequency). This variant has not been reported in the literature in individuals affected with RFWD3-related conditions. An algorithm developed to predict the effect of missense changes on protein structure and function outputs the following: PolyPhen-2: "Benign". The valine amino acid residue is found in multiple mammalian species, which suggests that this missense change does not adversely affect protein function. In summary, the available evidence is currently insufficient to determine the role of this variant in disease. Therefore, it has been classified as a Variant of Uncertain Significance.

Ambry Genetics
Classification: Likely benign. Last evaluated: 2025-11-03. Review status: criteria provided, single submitter. Criteria: Ambry Variant Classification Scheme 2023. Collection method: clinical testing. Allele origin: germline.